The following is an entry in ClinVar:

NC_000006.11:g.(?_88239250)_(88240670_?)del

Gene: RARS2 (arginyl-tRNA synthetase 2, mitochondrial; minus strand). Cytogenetic location: 6q15.
Variant type: Deletion.
Identifiers: ClinVar variation 1460368 (VCV001460368.3).

ClinVar aggregate classification (germline): Pathogenic (1 of 4 stars; one submission).

Submission:

Labcorp Genetics (formerly Invitae), Labcorp
Classification: Pathogenic. Last evaluated: 2021-10-16. Review status: criteria provided, single submitter. Criteria: Invitae Variant Classification Sherloc (09022015). Collection method: clinical testing. Allele origin: germline.
Comment: This variant is a gross deletion of the genomic region encompassing exon(s) 9-10 of the RARS2 gene. This deletion is out-of-frame, and is expected to create a premature termination codon and result in an absent or disrupted protein product. Loss-of-function variants in RARS2 are known to be pathogenic (PMID: 17847012, 22569581, 26083569). This variant has not been reported in the literature in individuals affected with RARS2-related conditions. For these reasons, this variant has been classified as Pathogenic.

Literature cited by the submitters: PubMed 17847012; PubMed 22569581; PubMed 26083569.